The following is an entry in ClinVar:

ClinVar aggregate classification (germline): Uncertain significance (1 of 4 stars; one submission).

Submission:

Labcorp Genetics (formerly Invitae), Labcorp
Classification: Uncertain significance. Last evaluated: 2023-11-15. Review status: criteria provided, single submitter. Criteria: Invitae Variant Classification Sherloc (09022015). Collection method: clinical testing. Allele origin: germline.
Comment: This sequence change replaces glycine, which is neutral and non-polar, with serine, which is neutral and polar, at codon 559 of the COL11A1 protein (p.Gly559Ser). This variant is not present in population databases (gnomAD no frequency). This variant has not been reported in the literature in individuals affected with COL11A1-related conditions. Advanced modeling of protein sequence and biophysical properties (such as structural, functional, and spatial information, amino acid conservation, physicochemical variation, residue mobility, and thermodynamic stability) has been performed at Invitae for this missense variant, however the output from this modeling did not meet the statistical confidence thresholds required to predict the impact of this variant on COL11A1 protein function. In summary, the available evidence is currently insufficient to determine the role of this variant in disease. Therefore, it has been classified as a Variant of Uncertain Significance.

NM_001854.4(COL11A1):c.1675G>A (p.Gly559Ser)

Gene: COL11A1 (collagen type XI alpha 1 chain; minus strand). Cytogenetic location: 1p21.1.
Variant type: single nucleotide variant.
Coding change: c.1675G>A on transcript NM_001854.4 (MANE Select); coding-DNA position 1675, G replaced by A.
Protein change: p.Gly559Ser; replaces glycine 559 with serine.
Molecular consequence: missense variant. On other transcripts: non-coding transcript variant (1).
Genome position (GRCh38, 1-based): chr1:103,008,471, C>T on the plus strand (G>A on the coding strand, the complement: COL11A1 is on the minus strand). VCF-style: chr1-103008471-C-T. GRCh37 (hg19) VCF-style: chr1-103474027-C-T.
Other names: c.1711G>A, p.Gly571Ser (NM_080629.3); c.1327G>A, p.Gly443Ser (NM_080630.4, NM_001168249.1); c.1558G>A, p.Gly520Ser (NM_001190709.2); short protein forms G520S, G559S, G571S, G443S.
Identifiers: ClinVar variation 2761003 (VCV002761003.3), dbSNP rs12143815, ClinGen allele CA27734342.